The following is an entry in ClinVar:

NM_004370.6(COL12A1):c.7432C>T (p.Arg2478Trp)

Gene: COL12A1 (collagen type XII alpha 1 chain; minus strand). Cytogenetic location: 6q13.
Variant type: single nucleotide variant.
Coding change: c.7432C>T on transcript NM_004370.6 (MANE Select); coding-DNA position 7432, C replaced by T.
Protein change: p.Arg2478Trp; replaces arginine 2478 with tryptophan.
Molecular consequence: missense variant.
Genome position (GRCh38, 1-based): chr6:75,117,469, G>A on the plus strand (C>T on the coding strand, the complement: COL12A1 is on the minus strand). VCF-style: chr6-75117469-G-A. GRCh37 (hg19) VCF-style: chr6-75827185-G-A.
Other names: c.3940C>T, p.Arg1314Trp (NM_080645.3); short protein forms R1314W, R2478W.
Identifiers: ClinVar variation 1043877 (VCV001043877.15), dbSNP rs769219928, ClinGen allele CA3892562.

ClinVar aggregate classification (germline): Conflicting classifications of pathogenicity. Review status: criteria provided, conflicting classifications (1 of 4 stars). 6 submissions from 6 submitters: Uncertain significance (5); Likely benign (1). Last evaluated 2025-12-09.

Conditions:
Inborn genetic diseases. Identifiers: MedGen C0950123, MeSH D030342.
Ullrich congenital muscular dystrophy 2 (UCMD2). Identifiers: Orphanet 75840, MedGen C4225314, MONDO:0014654, OMIM 616470.
Bethlem myopathy 2 (BTHLM2). Identifiers: Orphanet 536516, Orphanet 610, MedGen C4225313, MONDO:0034022, OMIM 616471.
COL12A1-related disorder. Also called: COL12A1-related condition.

Allele frequency attached by ClinVar (database versions not stated): gnomAD exomes 0.00003 and 0.00004; gnomAD 0.00006 and 0.00005; TOPMed 0.00008; ExAC 0.00007.
gnomAD v4.1: 58 of 1,613,530 alleles (0.0036%); highest among the groups gnomAD compares: African/African-American, 0.023%; no homozygotes.

Submissions (6):

Labcorp Genetics (formerly Invitae), Labcorp
Classification: Likely benign for Bethlem myopathy 2; Ullrich congenital muscular dystrophy 2. Last evaluated: 2025-12-09. Review status: criteria provided, single submitter. Criteria: Invitae Variant Classification Sherloc (09022015). Collection method: clinical testing. Allele origin: germline.

GeneDx
Classification: Uncertain significance. Last evaluated: 2024-04-30. Review status: criteria provided, single submitter. Criteria: GeneDx Variant Classification Process June 2021. Collection method: clinical testing. Allele origin: germline. Affected: yes.
Comment: Has not been previously published as pathogenic or benign to our knowledge; In silico analysis supports that this missense variant has a deleterious effect on protein structure/function

Ambry Genetics
Classification: Uncertain significance for Inborn genetic diseases. Last evaluated: 2024-04-24. Review status: criteria provided, single submitter. Criteria: Ambry Variant Classification Scheme 2023. Collection method: clinical testing. Allele origin: germline.

PreventionGenetics, part of Exact Sciences
Classification: Uncertain significance for COL12A1-related condition. Last evaluated: 2023-04-25. Review status: criteria provided, single submitter. Criteria: ACMG Guidelines, 2015. Collection method: clinical testing. Allele origin: germline.
Comment: The COL12A1 c.7432C>T variant is predicted to result in the amino acid substitution p.Arg2478Trp. To our knowledge, this variant has not been reported in the literature or in a large population database, indicating this variant is rare. At this time, the clinical significance of this variant is uncertain due to the absence of conclusive functional and genetic evidence.

Department of Pathology and Laboratory Medicine, Sinai Health System
Classification: Uncertain significance for Ullrich congenital muscular dystrophy 2; Bethlem myopathy 2. Last evaluated: 2021-05-10. Review status: criteria provided, single submitter. Criteria: ACMG Guidelines, 2015. Collection method: research. Allele origin: germline.

Breakthrough Genomics
Classification: Uncertain significance. Review status: criteria provided, single submitter. Criteria: ACMG Guidelines, 2015. Collection method: not provided. Allele origin: germline. Inheritance: Autosomal recessive inheritance. Affected: yes.